The following is an entry in ClinVar:

NM_007118.4(TRIO):c.3871C>T (p.Arg1291Cys)

Gene: TRIO (trio Rho guanine nucleotide exchange factor; plus strand). Cytogenetic location: 5p15.2.
Variant type: single nucleotide variant.
Coding change: c.3871C>T on transcript NM_007118.4 (MANE Select); coding-DNA position 3871, C replaced by T.
Protein change: p.Arg1291Cys; replaces arginine 1291 with cysteine.
Molecular consequence: missense variant. On other transcripts: non-coding transcript variant (1).
Genome position (GRCh38, 1-based): chr5:14,387,837, C>T. VCF-style: chr5-14387837-C-T. GRCh37 (hg19) VCF-style: chr5-14387946-C-T.
Other names: short protein forms R1291C.
Identifiers: ClinVar variation 1314850 (VCV001314850.2), dbSNP rs1255705093, ClinGen allele CA359227342.
Genomic context (GRCh38, chr5:14,387,837, plus strand): 5'-TCAGAGGTGAAACTTCGAGATGCTGCTCATGAACTTAATGAAGAGAAGCGGAAATCTGCC[C>T]GCAGGAAAGAGTAAGCCAGTCTTTCAGAATCTACCAGGATTCACTGGAAAAGTGAAGAGA-3'
Protein context (NP_009049.2, residues 1281-1301): ELNEEKRKSA[Arg1291Cys]RKEFIMAELI

ClinVar aggregate classification (germline): Uncertain significance (1 of 4 stars; one submission).

Allele frequency attached by ClinVar (database versions not stated): gnomAD exomes below 0.00001.
gnomAD v4.1: 2 of 1,613,836 alleles (0.00012%); highest among the groups gnomAD compares: East Asian, 0.0022%; no homozygotes.

Submission:

GeneDx
Classification: Uncertain significance. Last evaluated: 2020-01-28. Review status: criteria provided, single submitter. Criteria: GeneDx Variant Classification Process June 2021. Collection method: clinical testing. Allele origin: germline. Affected: yes.
Comment: Not observed at a significant frequency in large population cohorts (Lek et al., 2016); In silico analysis, which includes protein predictors and evolutionary conservation, supports a deleterious effect; Has not been previously published as pathogenic or benign to our knowledge